The following is an entry in ClinVar:

NM_001164508.2(NEB):c.21520G>A (p.Asp7174Asn)

Genes: NEB (nebulin; minus strand), RIF1 (replication timing regulatory factor 1; plus strand). Cytogenetic location: 2q23.3.
Variant type: single nucleotide variant.
Coding change: c.21520G>A on transcript NM_001164508.2 (MANE Select); coding-DNA position 21520, G replaced by A.
Protein change: p.Asp7174Asn; replaces aspartic acid 7174 with asparagine.
Molecular consequence: missense variant.
Genome position (GRCh38, 1-based): chr2:151,531,794, C>T on the plus strand (G>A on the coding strand, the complement: NEB is on the minus strand). VCF-style: chr2-151531794-C-T. GRCh37 (hg19) VCF-style: chr2-152388308-C-T.
Other names: c.21520G>A, p.Asp7174Asn (NM_001164507.2); c.21625G>A, p.Asp7209Asn (NM_001271208.2); c.16417G>A, p.Asp5473Asn (NM_004543.5); short protein forms D5473N, D7174N, D7209N.
Identifiers: ClinVar variation 1004663 (VCV001004663.10), dbSNP rs1227689355, ClinGen allele CA348770425.

ClinVar aggregate classification (germline): Uncertain significance. Review status: criteria provided, single submitter (1 of 4 stars). 2 submissions from 2 submitters: Uncertain significance (1). 1 of the submissions does not count toward it. Last evaluated 2022-03-23.

Conditions:
Nemaline myopathy 2 (NEM2). Also called: Nemaline myopathy 2, autosomal recessive. Identifiers: MedGen C1850569, MONDO:0009725, OMIM 256030.

Allele frequency attached by ClinVar (database versions not stated): gnomAD exomes below 0.00001.
gnomAD v4.1: 2 of 1,606,614 alleles (0.00012%); highest among the groups gnomAD compares: South Asian, 0.0022%; no homozygotes.

Submissions (2):

Labcorp Genetics (formerly Invitae), Labcorp
Classification: Uncertain significance for Nemaline myopathy 2. Last evaluated: 2022-03-23. Review status: criteria provided, single submitter. Criteria: Invitae Variant Classification Sherloc (09022015). Collection method: clinical testing. Allele origin: germline.
Comment: This sequence change replaces aspartic acid, which is acidic and polar, with asparagine, which is neutral and polar, at codon 7209 of the NEB protein (p.Asp7209Asn). The frequency data for this variant in the population databases is considered unreliable, as metrics indicate poor data quality at this position in the gnomAD database. This variant has not been reported in the literature in individuals affected with NEB-related conditions. ClinVar contains an entry for this variant (Variation ID: 1004663). Algorithms developed to predict the effect of missense changes on protein structure and function are either unavailable or do not agree on the potential impact of this missense change (SIFT: "Deleterious"; PolyPhen-2: "Not Available"; Align-GVGD: "Class C0"). In summary, the available evidence is currently insufficient to determine the role of this variant in disease. Therefore, it has been classified as a Variant of Uncertain Significance.

Natera, Inc.
Classification: Uncertain significance for Nemaline myopathy type 2. Last evaluated: 2020-06-09. Review status: no assertion criteria provided. Collection method: clinical testing. Allele origin: germline. Not counted in ClinVar's aggregate classification.